The following is an entry in ClinVar:

ClinVar aggregate classification (germline): Likely benign. Review status: criteria provided, multiple submitters, no conflicts (2 of 4 stars). 3 submissions from 3 submitters: Likely benign (3). Last evaluated 2024-03-25.

Conditions:
Autosomal recessive limb-girdle muscular dystrophy type 2J (LGMDR10). Also called: Limb-girdle muscular dystrophy, type 2J; MUSCULAR DYSTROPHY, LIMB-GIRDLE, AUTOSOMAL RECESSIVE 10. Identifiers: Orphanet 140922, MedGen C1837342, MONDO:0012127, OMIM 608807.
Dilated cardiomyopathy 1G (CMD1G). Identifiers: Orphanet 154, MedGen C1858763, MONDO:0011400, OMIM 604145.
Cardiovascular phenotype. Identifiers: MedGen CN230736.

Allele frequency attached by ClinVar (database versions not stated): gnomAD exomes below 0.00001.
gnomAD v4.1: 3 of 1,613,808 alleles (0.00019%); highest among the groups gnomAD compares: Non-Finnish European, 0.00025%; no homozygotes.

Submissions (3):

Labcorp Genetics (formerly Invitae), Labcorp
Classification: Likely benign for Dilated cardiomyopathy 1G; Autosomal recessive limb-girdle muscular dystrophy type 2J. Last evaluated: 2024-03-25. Review status: criteria provided, single submitter. Criteria: Invitae Variant Classification Sherloc (09022015). Collection method: clinical testing. Allele origin: germline.

Ambry Genetics
Classification: Likely benign for Cardiovascular phenotype. Last evaluated: 2023-06-10. Review status: criteria provided, single submitter. Criteria: Ambry Variant Classification Scheme 2023. Collection method: clinical testing. Allele origin: germline.

GeneDx
Classification: Likely benign. Last evaluated: 2018-03-21. Review status: criteria provided, single submitter. Criteria: GeneDx Variant Classification (06012015). Collection method: clinical testing. Allele origin: germline. Affected: yes.
Comment: This variant is considered likely benign or benign based on one or more of the following criteria: it is a conservative change, it occurs at a poorly conserved position in the protein, it is predicted to be benign by multiple in silico algorithms, and/or has population frequency not consistent with disease.

NM_001267550.2(TTN):c.95892A>G (p.Thr31964=)

Genes: TTN-AS1 (TTN antisense RNA 1; plus strand), TTN (titin; minus strand). Cytogenetic location: 2q31.2.
Variant type: single nucleotide variant.
Coding change: c.95892A>G on transcript NM_001267550.2 (MANE Select); coding-DNA position 95892, A replaced by G.
Protein change: p.Thr31964=; no amino-acid change (threonine 31964 retained).
Molecular consequence: synonymous variant.
Genome position (GRCh38, 1-based): chr2:178,544,337, T>C on the plus strand (A>G on the coding strand, the complement: TTN is on the minus strand). VCF-style: chr2-178544337-T-C. GRCh37 (hg19) VCF-style: chr2-179409064-T-C.
Other names: c.90969A>G, p.Thr30323= (NM_001256850.1); c.68697A>G, p.Thr22899= (NM_003319.4); c.88188A>G, p.Thr29396= (NM_133378.4); c.69072A>G, p.Thr23024= (NM_133432.3); c.69273A>G, p.Thr23091= (NM_133437.4).
Identifiers: ClinVar variation 467679 (VCV000467679.11), dbSNP rs879183167, ClinGen allele CA60970581.